The following is an entry in ClinVar:

NM_138691.3(TMC1):c.309_310delinsGC (p.Ile103_Ala104delinsMetPro)

Gene: TMC1 (transmembrane channel like 1; plus strand). Cytogenetic location: 9q21.13.
Variant type: Indel.
Coding change: c.309_310delinsGC on transcript NM_138691.3 (MANE Select); coding-DNA positions 309 to 310, TG replaced by GC.
Protein change: p.Ile103_Ala104delinsMetPro.
Molecular consequence: missense variant.
Genome position (GRCh38, 1-based): chr9:72,700,590-72,700,591, TG replaced by GC. VCF-style: chr9-72700590-TG-GC. GRCh37 (hg19) VCF-style: chr9-75315506-TG-GC.
Other names: c.309_310delTGinsGC (NM_138691.3).
Identifiers: ClinVar variation 4076513 (VCV004076513.1).

ClinVar aggregate classification (germline): Likely pathogenic (1 of 4 stars; one submission).

Conditions:
Autosomal recessive nonsyndromic hearing loss 7. Also called: DEAFNESS, AUTOSOMAL RECESSIVE 11. Identifiers: Orphanet 90636, MedGen C1832978, MONDO:0010967, OMIM 600974.

Submission:

ENT and Head and Neck Research Center and Department,  The Five Senses Health Institute, Iran University of Medical Sciences
Classification: Likely pathogenic for Autosomal recessive nonsyndromic hearing loss 7. Last evaluated: 2025-08-20. Review status: criteria provided, single submitter. Criteria: ClinGen HL ACMG Specifications v1. Collection method: clinical testing. Allele origin: germline. Affected: yes.
Comment: PM2: Variant not found in gnomAD genomes, PP1: Segregation in one affected relative for recessive, PP2: Missense variant in a gene that has a low rate of benign missense variation and in which missense variants are a common mechanism of disease, PP4: Patient’s phenotype is highly specific for a single gene, PP3: computational data

Literature cited by the submitters: PubMed 41231290.